The following is an entry in ClinVar:

ClinVar aggregate classification (germline): Uncertain significance. Review status: criteria provided, multiple submitters, no conflicts (2 of 4 stars). 2 submissions from 2 submitters: Uncertain significance (2). Last evaluated 2025-04-12.

Conditions:
Inborn genetic diseases. Identifiers: MedGen C0950123, MeSH D030342.

Allele frequency attached by ClinVar (database versions not stated): gnomAD exomes below 0.00001; TOPMed below 0.00001.
gnomAD v4.1: 2 of 1,613,994 alleles (0.00012%); highest among the groups gnomAD compares: Non-Finnish European, 0.00017%; no homozygotes.

Submissions (2):

Ambry Genetics
Classification: Uncertain significance for Inborn genetic diseases. Last evaluated: 2025-04-12. Review status: criteria provided, single submitter. Criteria: Ambry Variant Classification Scheme 2023. Collection method: clinical testing. Allele origin: germline.

GeneDx
Classification: Uncertain significance. Last evaluated: 2022-12-14. Review status: criteria provided, single submitter. Criteria: GeneDx Variant Classification Process June 2021. Collection method: clinical testing. Allele origin: germline. Affected: yes.
Comment: In silico analysis supports that this missense variant does not alter protein structure/function; Has not been previously published as pathogenic or benign to our knowledge

NM_001378452.1(ITPR1):c.7591G>A (p.Asp2531Asn)

Genes: ITPR1 (inositol 1,4,5-trisphosphate receptor type 1; plus strand), LOC126806590 (MED14-independent group 3 enhancer GRCh37_chr3:4855759-4856958; plus strand). Cytogenetic location: 3p26.1.
Variant type: single nucleotide variant.
Coding change: c.7591G>A on transcript NM_001378452.1 (MANE Select); coding-DNA position 7591, G replaced by A.
Protein change: p.Asp2531Asn; replaces aspartic acid 2531 with asparagine.
Molecular consequence: missense variant.
Genome position (GRCh38, 1-based): chr3:4,814,452, G>A. VCF-style: chr3-4814452-G-A. GRCh37 (hg19) VCF-style: chr3-4856136-G-A.
Other names: c.7447G>A, p.Asp2483Asn (NM_001099952.4); c.7546G>A, p.Asp2516Asn (NM_001168272.2); c.7402G>A, p.Asp2468Asn (NM_002222.7); short protein forms D2468N, D2483N, D2516N, D2531N.
Identifiers: ClinVar variation 2505970 (VCV002505970.2), dbSNP rs1244455021, ClinGen allele CA351648938.
Genomic context (GRCh38, chr3:4,814,452, plus strand): 5'-TTCTCTCTGTTGTTACTTGCCGTGTTCACAGAGCTGGTCCCTGCAGAAGAGACGGAACAG[G>A]ATAAAGAGCACACATGTGAGACGCTGCTGATGTGCATTGTCACTGTGCTGAGTCACGGGC-3'
Protein context (NP_001365381.1, residues 2521-2541): ELVPAEETEQ[Asp2531Asn]KEHTCETLLM